The following is an entry in ClinVar:

ClinVar aggregate classification (germline): Likely pathogenic. Review status: criteria provided, multiple submitters, no conflicts (2 of 4 stars). 3 submissions from 3 submitters: Likely pathogenic (2). 1 of the submissions does not count toward it. Last evaluated 2020-10-23.

Conditions:
KBG syndrome (KBGS). Also called: ANKRD11-Related KBG Syndrome. Identifiers: Orphanet 2332, MedGen C0220687, MONDO:0007846, OMIM 148050.

Submissions (3):

Institute of Medical Genetics and Applied Genomics, University Hospital Tübingen
Classification: Likely pathogenic. Last evaluated: 2020-10-23. Review status: criteria provided, single submitter. Criteria: ACMG Guidelines, 2015. Collection method: clinical testing. Allele origin: germline. Inheritance: Unknown mechanism. Affected: yes.

Equipe Genetique des Anomalies du Developpement, Université de Bourgogne
Classification: Likely pathogenic for KBG syndrome. Last evaluated: 2017-03-01. Review status: criteria provided, single submitter. Criteria: ACMG Guidelines, 2015. Collection method: clinical testing. Allele origin: unknown. Affected: yes.

Solve-RD Consortium
Classification: Likely pathogenic for KBG syndrome. Last evaluated: 2022-06-01. Review status: no assertion criteria provided. Collection method: provider interpretation. Allele origin: inherited. Affected: yes. Not counted in ClinVar's aggregate classification.
Comment: Variant confirmed as disease-causing by referring clinical team

Variant identified during reanalysis of unsolved cases by the Solve-RD project. The Solve-RD project has received funding from the European Union’s Horizon 2020 research and innovation programme under grant agreement No 779257.

Literature cited by the submitters: PubMed 39825153 (cited by Solve-RD Consortium).

NM_013275.6(ANKRD11):c.977del (p.Gly326fs)

Gene: ANKRD11 (ankyrin repeat domain 11; minus strand). Cytogenetic location: 16q24.3.
Variant type: Deletion.
Coding change: c.977del on transcript NM_013275.6 (MANE Select); coding-DNA position 977, one base deleted (G; older notation c.977delG).
Protein change: p.Gly326fs; shifts the reading frame from glycine 326.
Molecular consequence: frameshift variant.
Genome position (GRCh38, 1-based): chr16:89,285,565, C deleted on the plus strand (G on the coding strand, the reverse complement: ANKRD11 is on the minus strand); the first of 2 consecutive C bases (chr16:89,285,565-89,285,566); deleting either gives the same sequence. VCF-style (leftmost placement, unchanged base first): chr16-89285564-GC-G. GRCh37 (hg19) VCF-style: chr16-89351972-GC-G.
Other names: c.977del, p.Gly326fs (NM_001256182.2, NM_001256183.2); short protein forms G326fs.
Identifiers: ClinVar variation 545436 (VCV000545436.4), dbSNP rs1555529979, ClinGen allele CA658825071.
Genomic context (GRCh38, chr16:89,285,564, plus strand): 5'-CTCGTCCTTGACGGGGGCCGTGGCCTTCTGTGGCTCTGGGTTCTTGGCCTTGTGCTTGAG[GC>G]CTTTTTCGAACTCGGAGTCCGTGTTGTTGCCGTCGACTGAACTGGAAGGTGCGAAGGATG-3'